The following is an entry in ClinVar:

ClinVar aggregate classification (germline): Conflicting classifications of pathogenicity. Review status: criteria provided, conflicting classifications (1 of 4 stars). 3 submissions from 3 submitters: Uncertain significance (2); Likely benign (1). Last evaluated 2025-11-23.

Conditions:
SH3TC2-related disorder. Also called: SH3TC2-related condition; SH3TC2-related disorders. Identifiers: MedGen CN239303.
Inborn genetic diseases. Identifiers: MedGen C0950123, MeSH D030342.
Charcot-Marie-Tooth disease type 4. Also called: Charcot-Marie-Tooth disease, type IV; Charcot-Marie-Tooth, Type 4. Identifiers: Orphanet 64749, MedGen C4082197, MONDO:0018995.

Allele frequency attached by ClinVar (database versions not stated): ExAC 0.00002; gnomAD exomes 0.00002 and 0.00004; gnomAD 0.00006; ESP Exome Variant Server 0.00008; TOPMed 0.00009.
gnomAD v4.1: 73 of 1,614,040 alleles (0.0045%); highest among the groups gnomAD compares: African/African-American, 0.027%; no homozygotes.

Submissions (3):

Labcorp Genetics (formerly Invitae), Labcorp
Classification: Likely benign for Charcot-Marie-Tooth disease type 4. Last evaluated: 2025-11-23. Review status: criteria provided, single submitter. Criteria: Invitae Variant Classification Sherloc (09022015). Collection method: clinical testing. Allele origin: germline.

PreventionGenetics, part of Exact Sciences
Classification: Uncertain significance for SH3TC2-related condition. Last evaluated: 2025-06-24. Review status: criteria provided, single submitter. Criteria: ACMG Guidelines, 2015. Collection method: clinical testing. Allele origin: germline.
Comment: The SH3TC2 c.2215A>G variant is predicted to result in the amino acid substitution p.Met739Val. To our knowledge, this variant has not been reported in the literature. This variant is reported in 0.012% of alleles in individuals of African descent in gnomAD. At this time, the clinical significance of this variant is uncertain due to the absence of conclusive functional and genetic evidence.

Ambry Genetics
Classification: Uncertain significance for Inborn genetic diseases. Last evaluated: 2025-03-08. Review status: criteria provided, single submitter. Criteria: Ambry Variant Classification Scheme 2023. Collection method: clinical testing. Allele origin: germline.

NM_024577.4(SH3TC2):c.2215A>G (p.Met739Val)

Gene: SH3TC2 (SH3 domain and tetratricopeptide repeats 2; minus strand). Cytogenetic location: 5q32.
Variant type: single nucleotide variant.
Coding change: c.2215A>G on transcript NM_024577.4 (MANE Select); coding-DNA position 2215, A replaced by G.
Protein change: p.Met739Val; replaces methionine 739 with valine.
Molecular consequence: missense variant.
Genome position (GRCh38, 1-based): chr5:149,027,517, T>C on the plus strand (A>G on the coding strand, the complement: SH3TC2 is on the minus strand). VCF-style: chr5-149027517-T-C. GRCh37 (hg19) VCF-style: chr5-148407080-T-C.
Other names: short protein forms M739V.
Identifiers: ClinVar variation 580965 (VCV000580965.14), dbSNP rs146707871, ClinGen allele CA3499045.